The following is an entry in ClinVar:

ClinVar aggregate classification (germline): Uncertain significance (1 of 4 stars; one submission).

Allele frequency attached by ClinVar (database versions not stated): gnomAD 0.00001.
gnomAD v4.1: 4 of 1,609,284 alleles (0.00025%); highest among the groups gnomAD compares: South Asian, 0.0022%; no homozygotes.

Submission:

Labcorp Genetics (formerly Invitae), Labcorp
Classification: Uncertain significance. Last evaluated: 2025-12-02. Review status: criteria provided, single submitter. Criteria: Invitae Variant Classification Sherloc (09022015). Collection method: clinical testing. Allele origin: germline.
Comment: This sequence change replaces lysine, which is basic and polar, with arginine, which is basic and polar, at codon 394 of the FSCN2 protein (p.Lys394Arg). This variant is not present in population databases (gnomAD no frequency). This variant has not been reported in the literature in individuals affected with FSCN2-related conditions. ClinVar contains an entry for this variant (Variation ID: 1039368). An algorithm developed to predict the effect of missense changes on protein structure and function (PolyPhen-2) suggests that this variant is likely to be tolerated. Algorithms developed to predict the effect of sequence changes on RNA splicing suggest that this variant may create or strengthen a splice site. In summary, the available evidence is currently insufficient to determine the role of this variant in disease. Therefore, it has been classified as a Variant of Uncertain Significance.

NM_012418.4(FSCN2):c.1109A>G (p.Lys370Arg)

Gene: FSCN2 (fascin actin-bundling protein 2, retinal; plus strand). Cytogenetic location: 17q25.3.
Variant type: single nucleotide variant.
Coding change: c.1109A>G on transcript NM_012418.4 (MANE Select); coding-DNA position 1109, A replaced by G.
Protein change: p.Lys370Arg; replaces lysine 370 with arginine.
Molecular consequence: missense variant.
Genome position (GRCh38, 1-based): chr17:81,536,625, A>G. VCF-style: chr17-81536625-A-G. GRCh37 (hg19) VCF-style: chr17-79503651-A-G.
Other names: c.1181A>G, p.Lys394Arg (NM_001077182.3); short protein forms K394R, K370R.
Identifiers: ClinVar variation 1039368 (VCV001039368.8), dbSNP rs2032887553, ClinGen allele CA401477640.
Genomic context (GRCh38, chr17:81,536,625, plus strand): 5'-CGGCCTGGACAGGGAAGGTGGCGGGAGGGGCAGCGCAGCAGACGCTCTCCCCGCCAGGCA[A>G]GGACGAAGAGTTCACCCTCAAGCTCATCAACCGGCCCATCCTGGTGCTGCGCGGCCTGGA-3'
Protein context (NP_036550.1, residues 360-380): QLAAISDFVG[Lys370Arg]DEEFTLKLIN